The following is an entry in ClinVar:

ClinVar aggregate classification (germline): Uncertain significance (1 of 4 stars; one submission).

Conditions:
Long QT syndrome (LQTS). Identifiers: MedGen C0023976, MeSH D008133, MONDO:0002442. Disease mechanism: loss of function. Inheritance: Various modes of inheritance.

Allele frequency attached by ClinVar (database versions not stated): ExAC 0.00002.
gnomAD v4.1: 3 of 1,602,866 alleles (0.00019%); highest among the groups gnomAD compares: East Asian, 0.0023%; no homozygotes.

Submission:

Labcorp Genetics (formerly Invitae), Labcorp
Classification: Uncertain significance for Long QT syndrome. Last evaluated: 2024-04-09. Review status: criteria provided, single submitter. Criteria: Invitae Variant Classification Sherloc (09022015). Collection method: clinical testing. Allele origin: germline.
Comment: This sequence change replaces alanine, which is neutral and non-polar, with threonine, which is neutral and polar, at codon 2086 of the CACNA1C protein (p.Ala2086Thr). The frequency data for this variant in the population databases is considered unreliable, as metrics indicate poor data quality at this position in the gnomAD database. This variant has not been reported in the literature in individuals affected with CACNA1C-related conditions. ClinVar contains an entry for this variant (Variation ID: 1024419). Advanced modeling of protein sequence and biophysical properties (such as structural, functional, and spatial information, amino acid conservation, physicochemical variation, residue mobility, and thermodynamic stability) performed at Invitae indicates that this missense variant is not expected to disrupt CACNA1C protein function with a negative predictive value of 95%. In summary, the available evidence is currently insufficient to determine the role of this variant in disease. Therefore, it has been classified as a Variant of Uncertain Significance.

NM_000719.7(CACNA1C):c.6256G>A (p.Ala2086Thr)

Genes: CACNA1C (calcium voltage-gated channel subunit alpha1 C; plus strand), CACNA1C-AS1 (CACNA1C antisense RNA 1; minus strand). Cytogenetic location: 12p13.33.
Variant type: single nucleotide variant.
Coding change: c.6256G>A on transcript NM_000719.7 (MANE Select); coding-DNA position 6256, G replaced by A.
Protein change: p.Ala2086Thr; replaces alanine 2086 with threonine.
Molecular consequence: missense variant.
Genome position (GRCh38, 1-based): chr12:2,691,038, G>A. VCF-style: chr12-2691038-G-A. GRCh37 (hg19) VCF-style: chr12-2800204-G-A.
Other names: c.6400G>A, p.Ala2134Thr (NM_001129827.2); c.6379G>A, p.Ala2127Thr (NM_001129829.2); c.6361G>A, p.Ala2121Thr (NM_001129830.3, NM_001167624.3); c.6340G>A, p.Ala2114Thr (NM_001129831.2); c.6316G>A, p.Ala2106Thr (NM_001129832.2); c.6313G>A, p.Ala2105Thr (NM_001129833.2, NM_001129834.2, NM_001129835.2); c.6307G>A, p.Ala2103Thr (NM_001129836.2); c.6280G>A, p.Ala2094Thr (NM_001129837.2, NM_001129838.2); and 6 more; short protein forms A2075T, A2083T, A2086T, A2092T, A2094T, A2103T, A2105T, A2106T.
Identifiers: ClinVar variation 1024419 (VCV001024419.8), dbSNP rs763324710, ClinGen allele CA6390113.